The following is an entry in ClinVar:

ClinVar aggregate classification (germline): Uncertain significance (1 of 4 stars; one submission).

gnomAD v4.1: 1 of 1,613,736 alleles (0.000062%); highest among the groups gnomAD compares: African/African-American, 0.0013%; no homozygotes.

Submission:

Labcorp Genetics (formerly Invitae), Labcorp
Classification: Uncertain significance. Last evaluated: 2024-03-16. Review status: criteria provided, single submitter. Criteria: Invitae Variant Classification Sherloc (09022015). Collection method: clinical testing. Allele origin: germline.
Comment: This sequence change replaces asparagine, which is neutral and polar, with serine, which is neutral and polar, at codon 413 of the RAI1 protein (p.Asn413Ser). This variant is not present in population databases (gnomAD no frequency). This variant has not been reported in the literature in individuals affected with RAI1-related conditions. Advanced modeling of protein sequence and biophysical properties (such as structural, functional, and spatial information, amino acid conservation, physicochemical variation, residue mobility, and thermodynamic stability) performed at Invitae indicates that this missense variant is not expected to disrupt RAI1 protein function with a negative predictive value of 80%. In summary, the available evidence is currently insufficient to determine the role of this variant in disease. Therefore, it has been classified as a Variant of Uncertain Significance.

NM_030665.4(RAI1):c.1238A>G (p.Asn413Ser)

Gene: RAI1 (retinoic acid induced 1; plus strand). Cytogenetic location: 17p11.2.
Variant type: single nucleotide variant.
Coding change: c.1238A>G on transcript NM_030665.4 (MANE Select); coding-DNA position 1238, A replaced by G.
Protein change: p.Asn413Ser; replaces asparagine 413 with serine.
Molecular consequence: missense variant.
Genome position (GRCh38, 1-based): chr17:17,794,186, A>G. VCF-style: chr17-17794186-A-G. GRCh37 (hg19) VCF-style: chr17-17697500-A-G.
Other names: short protein forms N413S.
Identifiers: ClinVar variation 3645612 (VCV003645612.2).